The following is an entry in ClinVar:

NM_018699.4(PRDM5):c.1443+2T>G

Gene: PRDM5 (PR/SET domain 5; minus strand). Cytogenetic location: 4q27.
Variant type: single nucleotide variant.
Coding change: c.1443+2T>G on transcript NM_018699.4 (MANE Select); the canonical splice donor site of the intron after coding-DNA position 1443, T replaced by G.
Molecular consequence: splice donor variant.
Genome position (GRCh38, 1-based): chr4:120,781,141, A>C on the plus strand (T>G on the coding strand, the complement: PRDM5 is on the minus strand). VCF-style: chr4-120781141-A-C. GRCh37 (hg19) VCF-style: chr4-121702296-A-C.
Other names: c.1350+2T>G (NM_001300824.2, NM_001379106.1, NM_001300823.2); c.1476+2T>G (NM_001379104.1).
Identifiers: ClinVar variation 2709910 (VCV002709910.3), dbSNP rs2477147529, ClinGen allele CA358208603.
Genomic context (GRCh38, chr4:120,781,141, plus strand): 5'-CATATATACCCATACTGCTTAAACACGTAATCTGTTCAAACTAACAGAAGACTTCCACTT[A>C]CTTTCTTATGACTTCTAAGCACTGAAGGTGTAACAAAGGCCTTATTACATAGCTCACACC-3'

ClinVar aggregate classification (germline): Likely pathogenic (1 of 4 stars; one submission).

Submission:

Labcorp Genetics (formerly Invitae), Labcorp
Classification: Likely pathogenic. Last evaluated: 2024-01-18. Review status: criteria provided, single submitter. Criteria: Invitae Variant Classification Sherloc (09022015). Collection method: clinical testing. Allele origin: germline.
Comment: This sequence change affects a donor splice site in intron 12 of the PRDM5 gene. It is expected to disrupt RNA splicing. Variants that disrupt the donor or acceptor splice site typically lead to a loss of protein function (PMID: 16199547), and loss-of-function variants in PRDM5 are known to be pathogenic (PMID: 21664999, 26395458). This variant is not present in population databases (gnomAD no frequency). This variant has not been reported in the literature in individuals affected with PRDM5-related conditions. Algorithms developed to predict the effect of sequence changes on RNA splicing suggest that this variant may disrupt the consensus splice site. In summary, the currently available evidence indicates that the variant is pathogenic, but additional data are needed to prove that conclusively. Therefore, this variant has been classified as Likely Pathogenic.

Literature cited by the submitters: PubMed 16199547; PubMed 21664999; PubMed 26395458.